The following is an entry in ClinVar:

NM_015450.3(POT1):c.598G>A (p.Asp200Asn)

Gene: POT1 (protection of telomeres 1; minus strand). Cytogenetic location: 7q31.33.
Variant type: single nucleotide variant.
Coding change: c.598G>A on transcript NM_015450.3 (MANE Select); coding-DNA position 598, G replaced by A.
Protein change: p.Asp200Asn; replaces aspartic acid 200 with asparagine.
Molecular consequence: missense variant. On other transcripts: non-coding transcript variant (3).
Genome position (GRCh38, 1-based): chr7:124,859,061, C>T on the plus strand (G>A on the coding strand, the complement: POT1 is on the minus strand). VCF-style: chr7-124859061-C-T. GRCh37 (hg19) VCF-style: chr7-124499115-C-T.
Other names: c.205G>A, p.Asp69Asn (NM_001042594.2); short protein forms D200N, D69N.
Identifiers: ClinVar variation 567083 (VCV000567083.17), dbSNP rs764943552, ClinGen allele CA4465402.

ClinVar aggregate classification (germline): Uncertain significance. Review status: criteria provided, multiple submitters, no conflicts (2 of 4 stars). 3 submissions from 3 submitters: Uncertain significance (3). Last evaluated 2025-09-03.

Conditions:
Tumor predisposition syndrome 3 (TPDS3). Also called: Glioma susceptibility 9; Melanoma, cutaneous malignant, susceptibility to, 10; LONG TELOMERE SYNDROME, POT1-RELATED; POT1 Tumor Predisposition. Identifiers: Orphanet 618, MedGen C4014476, MONDO:0014368, OMIM 615848.
Hereditary cancer-predisposing syndrome. Also called: Neoplastic Syndromes, Hereditary; Hereditary Cancer Syndrome; Hereditary neoplastic syndrome; Tumor predisposition. Identifiers: Orphanet 140162, MedGen C0027672, MeSH D009386, MONDO:0015356.

Allele frequency attached by ClinVar (database versions not stated): gnomAD exomes below 0.00001 and 0.00001; ExAC 0.00001.
gnomAD v4.1: 4 of 1,610,768 alleles (0.00025%); highest among the groups gnomAD compares: Non-Finnish European, 0.00034%; no homozygotes.

Submissions (3):

Labcorp Genetics (formerly Invitae), Labcorp
Classification: Uncertain significance for Tumor predisposition syndrome 3. Last evaluated: 2025-09-03. Review status: criteria provided, single submitter. Criteria: Invitae Variant Classification Sherloc (09022015). Collection method: clinical testing. Allele origin: germline.
Comment: This sequence change replaces aspartic acid, which is acidic and polar, with asparagine, which is neutral and polar, at codon 200 of the POT1 protein (p.Asp200Asn). This variant is present in population databases (rs764943552, gnomAD 0.0009%). This variant has not been reported in the literature in individuals affected with POT1-related conditions. ClinVar contains an entry for this variant (Variation ID: 567083). Invitae Evidence Modeling of protein sequence and biophysical properties (such as structural, functional, and spatial information, amino acid conservation, physicochemical variation, residue mobility, and thermodynamic stability) indicates that this missense variant is not expected to disrupt POT1 protein function with a negative predictive value of 80%. RNA analysis performed to evaluate the impact of this missense change on mRNA splicing indicates it does not significantly alter splicing (internal data). In summary, the available evidence is currently insufficient to determine the role of this variant in disease. Therefore, it has been classified as a Variant of Uncertain Significance.

Ambry Genetics
Classification: Uncertain significance for Hereditary cancer-predisposing syndrome. Last evaluated: 2024-11-26. Review status: criteria provided, single submitter. Criteria: Ambry Variant Classification Scheme 2023. Collection method: clinical testing. Allele origin: germline.
Comment: The p.D200N variant (also known as c.598G>A), located in coding exon 5 of the POT1 gene, results from a G to A substitution at nucleotide position 598. The aspartic acid at codon 200 is replaced by asparagine, an amino acid with highly similar properties. This amino acid position is conserved. In addition, this alteration is predicted to be tolerated by in silico analysis. Since supporting evidence is limited at this time, the clinical significance of this alteration remains unclear.

GeneDx
Classification: Uncertain significance. Last evaluated: 2023-02-01. Review status: criteria provided, single submitter. Criteria: GeneDx Variant Classification Process June 2021. Collection method: clinical testing. Allele origin: germline.
Comment: Not observed at significant frequency in large population cohorts (gnomAD); In silico analysis supports that this missense variant does not alter protein structure/function; Has not been previously published as pathogenic or benign to our knowledge; This variant is associated with the following publications: (PMID: 28393830)